The following is an entry in ClinVar:

NM_130384.3(ATRIP):c.2272C>G (p.Leu758Val)

Genes: ATRIP (ATR interacting protein; plus strand), ATRIP-TREX1 (ATRIP-TREX1 readthrough; plus strand). Cytogenetic location: 3p21.31.
Variant type: single nucleotide variant.
Coding change: c.2272C>G on transcript NM_130384.3 (MANE Select); coding-DNA position 2272, C replaced by G.
Protein change: p.Leu758Val; replaces leucine 758 with valine.
Molecular consequence: missense variant. On other transcripts: non-coding transcript variant (1).
Genome position (GRCh38, 1-based): chr3:48,465,047, C>G. VCF-style: chr3-48465047-C-G. GRCh37 (hg19) VCF-style: chr3-48506446-C-G.
Other names: c.1891C>G, p.Leu631Val (NM_001271022.2); c.1993C>G, p.Leu665Val (NM_001271023.2); c.2191C>G, p.Leu731Val (NM_032166.4); short protein forms L758V, L631V, L665V, L731V.
Identifiers: ClinVar variation 5032483 (VCV005032483.1).

ClinVar aggregate classification (germline): Uncertain significance (1 of 4 stars; one submission).

Submission:

Ambry Genetics
Classification: Uncertain significance. Last evaluated: 2026-09-05. Review status: criteria provided, single submitter. Criteria: Ambry Variant Classification Scheme 2023. Collection method: clinical testing. Allele origin: germline.
Comment: The p.L758V variant (also known as c.2272C>G), located in coding exon 12 of the ATRIP gene, results from a C to G substitution at nucleotide position 2272. The leucine at codon 758 is replaced by valine, an amino acid with highly similar properties. This amino acid position is conserved. In addition, this alteration is predicted to be tolerated by in silico analysis. Based on the available evidence, the clinical significance of this variant remains unclear.